The following is an entry in ClinVar:

NM_001042492.3(NF1):c.2409+2T>A

Gene: NF1 (neurofibromin 1; plus strand). Cytogenetic location: 17q11.2.
Variant type: single nucleotide variant.
Coding change: c.2409+2T>A on transcript NM_001042492.3 (MANE Select); the canonical splice donor site of the intron after coding-DNA position 2409, T replaced by A.
Molecular consequence: splice donor variant.
Genome position (GRCh38, 1-based): chr17:31,227,608, T>A. VCF-style: chr17-31227608-T-A. GRCh37 (hg19) VCF-style: chr17-29554626-T-A.
Other names: c.2409+2T>A (NM_000267.4).
Identifiers: ClinVar variation 1076968 (VCV001076968.7), dbSNP rs876660826, ClinGen allele CA398983345.
Genomic context (GRCh38, chr17:31,227,608, plus strand): 5'-GGGAACAAGCAACAAAGCTAATCCTTAACTATCCAAAAGCCAAAATGGAAGATGGCCAGG[T>A]AAGTCTGTAAAGTTGACTTTTGTCTGTTAACTGATCTGCTAAATATATGTACTTCACTTT-3'

ClinVar aggregate classification (germline): Pathogenic/Likely pathogenic. Review status: criteria provided, multiple submitters, no conflicts (2 of 4 stars). 3 submissions from 3 submitters: Pathogenic (1); Likely pathogenic (2). Last evaluated 2025-10-16.

Conditions:
Hereditary cancer-predisposing syndrome. Also called: Neoplastic Syndromes, Hereditary; Hereditary neoplastic syndrome; Tumor predisposition; Hereditary Cancer Syndrome. Identifiers: Orphanet 140162, MedGen C0027672, MeSH D009386, MONDO:0015356.
Cardiovascular phenotype. Identifiers: MedGen CN230736.
Neurofibromatosis, type 1 (NF1). Also called: VON RECKLINGHAUSEN DISEASE; Peripheral type neurofibromatosis; NEUROFIBROMATOSIS, TYPE I, SOMATIC; Neurofibromatosis, type I. Identifiers: Orphanet 636, MedGen C0027831, MONDO:0018975, OMIM 162200. Disease mechanism: loss of function.

Submissions (3):

Ambry Genetics
Classification: Likely pathogenic for Cardiovascular phenotype; Hereditary cancer-predisposing syndrome. Last evaluated: 2025-10-16. Review status: criteria provided, single submitter. Criteria: Ambry Variant Classification Scheme 2023. Collection method: clinical testing. Allele origin: germline.
Comment: The c.2409+2T>A intronic variant results from a T to A substitution two nucleotides after coding exon 20 in the NF1 gene. In silico splice site analysis predicts that this alteration will weaken the native splice donor site. A resulting transcript is predicted to be in-frame and is not expected to trigger nonsense-mediated mRNA decay, the region predicted to be impacted is critical for protein function (Ambry internal data). RNA studies have demonstrated that this alteration results in abnormal splicing in the set of samples tested (Ambry internal data). This variant was reported in individual(s) with features consistent with neurofibromatosis type 1 (NF1) (Ambry internal data). Other alterations impacting the same donor site (c.2409+1G>C) have also been identified in individuals with a clinical diagnosis or suspicion of NF1 (Bausch B, J. Clin. Endocrinol. Metab. 2007 Jul; 92(7):2784-92). This variant is considered to be rare based on population cohorts in the Genome Aggregation Database (gnomAD). Based on the majority of available evidence to date, this variant is likely to be pathogenic.

Department of Medical Genetics, International Peace Maternity and Child Health Hospital, Shanghai Jiao Tong University School of Medicine
Classification: Likely pathogenic for Neurofibromatosis, type 1. Last evaluated: 2025-03-22. Review status: criteria provided, single submitter. Criteria: ACMG Guidelines, 2015. Collection method: clinical testing. Allele origin: de novo. Affected: yes.
Comment: This sequence change affects a donor splice site in intron 20 of the NF1 gene. It is expected to disrupt RNA splicing. Loss-of-function variants in NF1 are known to be pathogenic (PMID: 10712197, 23913538), so this variant has been classified as Likely Pathogenic.

Labcorp Genetics (formerly Invitae), Labcorp
Classification: Pathogenic for Neurofibromatosis, type 1. Last evaluated: 2022-09-06. Review status: criteria provided, single submitter. Criteria: Invitae Variant Classification Sherloc (09022015). Collection method: clinical testing. Allele origin: germline.
Comment: For these reasons, this variant has been classified as Pathogenic. This sequence change affects a donor splice site in intron 20 of the NF1 gene. It is expected to disrupt RNA splicing. Variants that disrupt the donor or acceptor splice site typically lead to a loss of protein function (PMID: 16199547), and loss-of-function variants in NF1 are known to be pathogenic (PMID: 10712197, 23913538). This variant is not present in population databases (gnomAD no frequency). Disruption of this splice site has been observed in individuals with neurofibromatosis type 1 (PMID: 16835897, 25074460). ClinVar contains an entry for this variant (Variation ID: 1076968). Algorithms developed to predict the effect of sequence changes on RNA splicing suggest that this variant may disrupt the consensus splice site.

Literature cited by the submitters: PubMed 10712197 (cited by Department of Medical Genetics, International Peace Maternity and Child Health Hospital, Shanghai Jiao Tong University School of Medicine and Labcorp Genetics (formerly Invitae), Labcorp); PubMed 23913538 (cited by Department of Medical Genetics, International Peace Maternity and Child Health Hospital, Shanghai Jiao Tong University School of Medicine and Labcorp Genetics (formerly Invitae), Labcorp); PubMed 16199547 (cited by Labcorp Genetics (formerly Invitae), Labcorp); PubMed 16835897 (cited by Labcorp Genetics (formerly Invitae), Labcorp); PubMed 25074460 (cited by Labcorp Genetics (formerly Invitae), Labcorp).